The following is an entry in ClinVar:

ClinVar aggregate classification (germline): Conflicting classifications of pathogenicity. Review status: criteria provided, conflicting classifications (1 of 4 stars). 4 submissions from 4 submitters: Uncertain significance (2); Likely benign (2). Last evaluated 2026-01-26.

Conditions:
SOS1-related disorder. Also called: SOS1-related condition.
RASopathy. Also called: Noonan spectrum disorder; rasopathies. Identifiers: Orphanet 536391, MedGen C5555857, MONDO:0021060.
Intellectual disability. Also called: Intellectual functioning disability; intellectual disabilities; Intellectual developmental disorder. Identifiers: MedGen C3714756, MeSH D008607, MONDO:0001071, HP:0001249.

Allele frequency attached by ClinVar (database versions not stated): ExAC 0.00001; TOPMed 0.00002; gnomAD exomes 0.00001.
gnomAD v4.1: 26 of 1,613,794 alleles (0.0016%); highest among the groups gnomAD compares: Non-Finnish European, 0.0021%; no homozygotes.

Submissions (4):

Labcorp Genetics (formerly Invitae), Labcorp
Classification: Likely benign for RASopathy. Last evaluated: 2026-01-26. Review status: criteria provided, single submitter. Criteria: Invitae Variant Classification Sherloc (09022015). Collection method: clinical testing. Allele origin: germline.

GeneDx
Classification: Uncertain significance. Last evaluated: 2023-07-11. Review status: criteria provided, single submitter. Criteria: GeneDx Variant Classification Process June 2021. Collection method: clinical testing. Allele origin: germline. Affected: yes.
Comment: Has not been previously published as pathogenic or benign to our knowledge; Missense variants in this gene are often considered pathogenic (HGMD); In silico analysis supports that this missense variant does not alter protein structure/function; This variant is associated with the following publications: (PMID: 29493581)

PreventionGenetics, part of Exact Sciences
Classification: Uncertain significance for SOS1-related condition. Last evaluated: 2023-04-29. Review status: criteria provided, single submitter. Criteria: ACMG Guidelines, 2015. Collection method: clinical testing. Allele origin: germline.
Comment: The SOS1 c.1007A>G variant is predicted to result in the amino acid substitution p.Gln336Arg. To our knowledge, this variant has not been reported in the literature. This variant is reported in 0.0018% of alleles in individuals of European (Non-Finnish) descent in gnomAD. At this time, the clinical significance of this variant is uncertain due to the absence of conclusive functional and genetic evidence.

Cambridge Genomics Laboratory, East Genomic Laboratory Hub, NHS Genomic Medicine Service
Classification: Likely benign for Intellectual disability. Last evaluated: 2020-05-29. Review status: criteria provided, single submitter. Criteria: ACGS Best Practice Guidelines for Variant Classification in Rare Disease 2020. Collection method: clinical testing. Allele origin: germline. Affected: yes. Observed: 1 variant allele.

NM_005633.4(SOS1):c.1007A>G (p.Gln336Arg)

Gene: SOS1 (SOS Ras/Rac guanine nucleotide exchange factor 1; minus strand). Cytogenetic location: 2p22.1.
Variant type: single nucleotide variant.
Coding change: c.1007A>G on transcript NM_005633.4 (MANE Select); coding-DNA position 1007, A replaced by G.
Protein change: p.Gln336Arg; replaces glutamine 336 with arginine.
Molecular consequence: missense variant.
Genome position (GRCh38, 1-based): chr2:39,035,279, T>C on the plus strand (A>G on the coding strand, the complement: SOS1 is on the minus strand). VCF-style: chr2-39035279-T-C. GRCh37 (hg19) VCF-style: chr2-39262420-T-C.
Other names: c.986A>G, p.Gln329Arg (NM_001382394.1); c.1007A>G, p.Gln336Arg (NM_001382395.1); short protein forms Q336R, Q329R.
Identifiers: ClinVar variation 240196 (VCV000240196.11), dbSNP rs765028553, ClinGen allele CA1624662.